The following is an entry in ClinVar:

NM_022124.6(CDH23):c.911C>A (p.Pro304His)

Gene: CDH23 (cadherin related 23; plus strand). Cytogenetic location: 10q22.1.
Variant type: single nucleotide variant.
Coding change: c.911C>A on transcript NM_022124.6 (MANE Select); coding-DNA position 911, C replaced by A.
Protein change: p.Pro304His; replaces proline 304 with histidine.
Molecular consequence: missense variant.
Genome position (GRCh38, 1-based): chr10:71,615,582, C>A. VCF-style: chr10-71615582-C-A. GRCh37 (hg19) VCF-style: chr10-73375339-C-A.
Other names: c.911C>A, p.Pro304His (NM_001171930.2, NM_001171931.2, NM_001171932.2 and 1 more transcripts); short protein forms P304H.
Identifiers: ClinVar variation 1501738 (VCV001501738.8), dbSNP rs2132515260, ClinGen allele CA377121481.

ClinVar aggregate classification (germline): Uncertain significance (1 of 4 stars; one submission).

Submission:

Labcorp Genetics (formerly Invitae), Labcorp
Classification: Uncertain significance. Last evaluated: 2023-08-04. Review status: criteria provided, single submitter. Criteria: Invitae Variant Classification Sherloc (09022015). Collection method: clinical testing. Allele origin: germline.
Comment: In summary, the available evidence is currently insufficient to determine the role of this variant in disease. Therefore, it has been classified as a Variant of Uncertain Significance. Advanced modeling of protein sequence and biophysical properties (such as structural, functional, and spatial information, amino acid conservation, physicochemical variation, residue mobility, and thermodynamic stability) performed at Invitae indicates that this missense variant is not expected to disrupt CDH23 protein function. ClinVar contains an entry for this variant (Variation ID: 1501738). This variant has not been reported in the literature in individuals affected with CDH23-related conditions. This variant is not present in population databases (gnomAD no frequency). This sequence change replaces proline, which is neutral and non-polar, with histidine, which is basic and polar, at codon 304 of the CDH23 protein (p.Pro304His).